The following is an entry in ClinVar:

ClinVar aggregate classification (germline): Likely pathogenic (1 of 4 stars; one submission).

Conditions:
CUBN-related disorder. Also called: CUBN-related condition.

Submission:

3billion
Classification: Likely pathogenic for CUBN-related disorder. Last evaluated: 2024-09-13. Review status: criteria provided, single submitter. Criteria: ACMG Guidelines, 2015. Collection method: clinical testing. Allele origin: germline. Affected: yes.
Comment: The variant is not observed in the gnomAD v4.0.0 dataset. Predicted Consequence/Location: Frameshift: predicted to result in a loss or disruption of normal protein function through nonsense-mediated decay (NMD) or protein truncation. Multiple pathogenic variants are reported downstream of the variant. Therefore, this variant is classified as Likely pathogenic according to the recommendation of ACMG/AMP guideline.

NM_001081.4(CUBN):c.7454del (p.Pro2485fs)

Gene: CUBN (cubilin; minus strand). Cytogenetic location: 10p13.
Variant type: Deletion.
Coding change: c.7454del on transcript NM_001081.4 (MANE Select); coding-DNA position 7454, one base deleted (C; older notation c.7454delC).
Protein change: p.Pro2485fs; shifts the reading frame from proline 2485.
Molecular consequence: frameshift variant.
Genome position (GRCh38, 1-based): chr10:16,913,890, G deleted on the plus strand (C on the coding strand, the reverse complement: CUBN is on the minus strand); the first of 4 consecutive G bases (chr10:16,913,890-16,913,893); deleting any one gives the same sequence. VCF-style (leftmost placement, unchanged base first): chr10-16913889-CG-C. GRCh37 (hg19) VCF-style: chr10-16955888-CG-C.
Other names: short protein forms P2485fs.
Identifiers: ClinVar variation 4292561 (VCV004292561.1).